The following is an entry in ClinVar:

ClinVar aggregate classification (germline): Uncertain significance (1 of 4 stars; one submission).

Conditions:
Hereditary cancer-predisposing syndrome. Also called: Neoplastic Syndromes, Hereditary; Tumor predisposition; Hereditary Cancer Syndrome; Hereditary neoplastic syndrome. Identifiers: Orphanet 140162, MedGen C0027672, MeSH D009386, MONDO:0015356.

Submission:

Ambry Genetics
Classification: Uncertain significance for Hereditary cancer-predisposing syndrome. Last evaluated: 2014-12-08. Review status: criteria provided, single submitter. Criteria: Ambry Autosomal Dominant and X-Linked criteria (10/2015). Collection method: clinical testing. Allele origin: germline. Observed: 1 variant allele.
Comment: The p.K2456N variant (also known as c.7368A>T), located in coding exon 50 of the NF1 gene, results from an A to T substitution at nucleotide position 7368. The lysine at codon 2456 is replaced by asparagine, an amino acid with similar properties. This variant was not reported in population based cohorts in the following databases: Database of Single Nucleotide Polymorphisms (dbSNP), NHLBI Exome Sequencing Project (ESP), and 1000 Genomes Project. In the ESP, this variant was not observed in 6503 samples (13006 alleles) with coverage at this position. To date, this alteration has been detected with an allele frequency of approximately 0.003% (greater than 30000 alleles tested) in our clinical cohort. This amino acid position is highly conserved in available vertebrate species. In addition, this alteration is predicted to be tolerated by in silico analysis. Since supporting evidence is limited at this time, the clinical significance of p.K2456N remains unclear.

NM_001042492.3(NF1):c.7368A>T (p.Lys2456Asn)

Gene: NF1 (neurofibromin 1; plus strand). Cytogenetic location: 17q11.2.
Variant type: single nucleotide variant.
Coding change: c.7368A>T on transcript NM_001042492.3 (MANE Select); coding-DNA position 7368, A replaced by T.
Protein change: p.Lys2456Asn; replaces lysine 2456 with asparagine.
Molecular consequence: missense variant.
Genome position (GRCh38, 1-based): chr17:31,350,229, A>T. VCF-style: chr17-31350229-A-T. GRCh37 (hg19) VCF-style: chr17-29677247-A-T.
Other names: c.7305A>T, p.Lys2435Asn (NM_000267.4); short protein forms K2435N, K2456N.
Identifiers: ClinVar variation 187387 (VCV000187387.3), dbSNP rs201287021, ClinGen allele CA197518.
Genomic context (GRCh38, chr17:31,350,229, plus strand): 5'-CGTTTTCCTTTTAGCTTTACTTACAGTGTCTGAAGAAGTTCGAAGTCGCTGCAGCCTAAA[A>T]CATAGAAAGTCACTTCTTCTTACTGATATTTCAATGGAAAATGTTCCTATGGATACATAT-3'
Protein context (NP_001035957.1, residues 2446-2466): SEEVRSRCSL[Lys2456Asn]HRKSLLLTDI